The following is an entry in ClinVar:

NM_000038.6(APC):c.1756A>C (p.Lys586Gln)

Gene: APC (APC regulator of Wnt signaling pathway; plus strand). Cytogenetic location: 5q22.2.
Variant type: single nucleotide variant.
Coding change: c.1756A>C on transcript NM_000038.6 (MANE Select); coding-DNA position 1756, A replaced by C.
Protein change: p.Lys586Gln; replaces lysine 586 with glutamine.
Molecular consequence: missense variant. On other transcripts: non-coding transcript variant (2).
Genome position (GRCh38, 1-based): chr5:112,834,963, A>C. VCF-style: chr5-112834963-A-C. GRCh37 (hg19) VCF-style: chr5-112170660-A-C.
Other names: c.1369A>C, p.Lys457Gln (NM_001407467.1, NM_001407469.1); c.907A>C, p.Lys303Gln (NM_001407470.1, NM_001354906.2); c.604A>C, p.Lys202Gln (NM_001407471.1, NM_001407472.1); c.1756A>C, p.Lys586Gln (NM_001127510.3, NM_001354895.2, NM_001407450.1); c.1702A>C, p.Lys568Gln (NM_001127511.3); c.1810A>C, p.Lys604Gln (NM_001354896.2, NM_001407447.1, NM_001407448.1 and 1 more transcripts); c.1786A>C, p.Lys596Gln (NM_001354897.2); c.1681A>C, p.Lys561Gln (NM_001354898.2); and 11 more; short protein forms K303Q, K457Q, K460Q, K527Q, K561Q, K568Q, K576Q, K586Q.
Identifiers: ClinVar variation 4575356 (VCV004575356.1).

ClinVar aggregate classification (germline): Uncertain significance (1 of 4 stars; one submission).

Conditions:
Hereditary cancer-predisposing syndrome. Also called: Neoplastic Syndromes, Hereditary; Tumor predisposition; Hereditary Cancer Syndrome; Hereditary neoplastic syndrome. Identifiers: Orphanet 140162, MedGen C0027672, MeSH D009386, MONDO:0015356.

gnomAD v4.1: 1 of 1,613,870 alleles (0.000062%); highest among the groups gnomAD compares: Non-Finnish European, 0.000085%; no homozygotes.

Submission:

Ambry Genetics
Classification: Uncertain significance for Hereditary cancer-predisposing syndrome. Last evaluated: 2025-09-18. Review status: criteria provided, single submitter. Criteria: Ambry Variant Classification Scheme 2023. Collection method: clinical testing. Allele origin: germline.
Comment: The p.K586Q variant (also known as c.1756A>C), located in coding exon 14 of the APC gene, results from an A to C substitution at nucleotide position 1756. The lysine at codon 586 is replaced by glutamine, an amino acid with similar properties. This amino acid position is highly conserved in available vertebrate species. In addition, in silico predictors for this gene do not accurately predict pathogenicity. Missense alterations in APC are not a common cause of disease (Spier I et al. Genet Med. 2024 Feb;26(2):100992). Based on the available evidence, the clinical significance of this variant remains unclear.